The following is an entry in ClinVar:

NM_000194.3(HPRT1):c.159G>A (p.Val53=)

Gene: HPRT1 (hypoxanthine phosphoribosyltransferase 1; plus strand). Cytogenetic location: Xq26.2.
Variant type: single nucleotide variant.
Coding change: c.159G>A on transcript NM_000194.3 (MANE Select); coding-DNA position 159, G replaced by A.
Protein change: p.Val53=; no amino-acid change (valine 53 retained).
Molecular consequence: synonymous variant.
Genome position (GRCh38, 1-based): chrX:134,475,205, G>A. VCF-style: chrX-134475205-G-A. GRCh37 (hg19) VCF-style: chrX-133609235-G-A.
Other names: c.159G>A (NM_000194.2).
Identifiers: ClinVar variation 1617101 (VCV001617101.13), dbSNP rs748568278, ClinGen allele CA10521343.

ClinVar aggregate classification (germline): Likely benign. Review status: criteria provided, single submitter (1 of 4 stars). 2 submissions from 2 submitters: Likely benign (1). 1 of the submissions does not count toward it. Last evaluated 2024-03-14.

Conditions:
Lesch-Nyhan syndrome (LNS). Also called: Lesch-Nyhan Disease (LND); HPRT DEFICIENCY, COMPLETE. Identifiers: Orphanet 510, MedGen C0023374, MONDO:0010298, OMIM 300322.
Partial hypoxanthine-guanine phosphoribosyltransferase deficiency. Also called: Kelley-Seegmiller Syndrome; HPRT DEFICIENCY, PARTIAL; HYPOXANTHINE GUANINE PHOSPHORIBOSYLTRANSFERASE 1 DEFICIENCY, PARTIAL; HPRT1 DEFICIENCY, PARTIAL; GOUT, HPRT-RELATED. Identifiers: Orphanet 79233, MedGen C0268117, MONDO:0010299, OMIM 300323.
HPRT1-related disorder. Also called: HPRT1-related condition; HPRT1-related disorders.

Allele frequency attached by ClinVar (database versions not stated): ExAC 0.00001; gnomAD exomes 0.00001 and 0.00002.
gnomAD v4.1: 13 of 1,205,033 alleles (0.0011%); highest among the groups gnomAD compares: Non-Finnish European, 0.0015%; no homozygotes.

Submissions (2):

Labcorp Genetics (formerly Invitae), Labcorp
Classification: Likely benign for Lesch-Nyhan syndrome; Partial hypoxanthine-guanine phosphoribosyltransferase deficiency. Last evaluated: 2024-03-14. Review status: criteria provided, single submitter. Criteria: Invitae Variant Classification Sherloc (09022015). Collection method: clinical testing. Allele origin: germline.

PreventionGenetics, part of Exact Sciences
Classification: Likely benign for HPRT1-related condition. Last evaluated: 2019-02-26. Review status: no assertion criteria provided. Collection method: clinical testing. Allele origin: germline. Not counted in ClinVar's aggregate classification.
Comment: This variant is classified as likely benign based on ACMG/AMP sequence variant interpretation guidelines (Richards et al. 2015 PMID: 25741868, with internal and published modifications).